The following is an entry in ClinVar:

NM_015978.3(TNNI3K):c.569G>C (p.Gly190Ala)

Genes: FPGT-TNNI3K (FPGT-TNNI3K readthrough; plus strand), TNNI3K (TNNI3 interacting kinase; plus strand). Cytogenetic location: 1p31.1.
Variant type: single nucleotide variant.
Coding change: c.569G>C on transcript NM_015978.3 (MANE Select); coding-DNA position 569, G replaced by C.
Protein change: p.Gly190Ala; replaces glycine 190 with alanine.
Molecular consequence: missense variant.
Genome position (GRCh38, 1-based): chr1:74,336,036, G>C. VCF-style: chr1-74336036-G-C. GRCh37 (hg19) VCF-style: chr1-74801720-G-C.
Other names: c.872G>C, p.Gly291Ala (NM_001112808.3, NM_001199327.2); short protein forms G190A, G291A.
Identifiers: ClinVar variation 3673806 (VCV003673806.2).
Genomic context (GRCh38, chr1:74,336,036, plus strand): 5'-TTTTTATACTGATTTCAAATGAATAAATCCTTTAGGTAACTCGCCTTCTTTTGAAATTTG[G>C]TGCTGATGTAAATGTAAGTGGTGAAGTTGGAGATAGACCCCTCCACCTAGCATCTGCAAA-3'
Protein context (NP_057062.1, residues 180-200): EQVTRLLLKF[Gly190Ala]ADVNVSGEVG

ClinVar aggregate classification (germline): Uncertain significance (1 of 4 stars; one submission).

gnomAD v4.1: 1 of 1,581,738 alleles (0.000063%); highest among the groups gnomAD compares: African/African-American, 0.0014%; no homozygotes.

Submission:

Labcorp Genetics (formerly Invitae), Labcorp
Classification: Uncertain significance. Last evaluated: 2024-05-06. Review status: criteria provided, single submitter. Criteria: Invitae Variant Classification Sherloc (09022015). Collection method: clinical testing. Allele origin: germline.
Comment: This sequence change replaces glycine, which is neutral and non-polar, with alanine, which is neutral and non-polar, at codon 190 of the TNNI3K protein (p.Gly190Ala). This variant is present in population databases (no rsID available, gnomAD 0.01%). This variant has not been reported in the literature in individuals affected with TNNI3K-related conditions. Advanced modeling of protein sequence and biophysical properties (such as structural, functional, and spatial information, amino acid conservation, physicochemical variation, residue mobility, and thermodynamic stability) performed at Invitae indicates that this missense variant is not expected to disrupt TNNI3K protein function with a negative predictive value of 80%. In summary, the available evidence is currently insufficient to determine the role of this variant in disease. Therefore, it has been classified as a Variant of Uncertain Significance.